The following is an entry in ClinVar:

NM_153026.3(PRICKLE1):c.1230T>A (p.Asp410Glu)

Genes: PRICKLE1 (prickle planar cell polarity protein 1; minus strand), LOC126861509 (BRD4-independent group 4 enhancer GRCh37_chr12:42858567-42859766; plus strand). Cytogenetic location: 12q12.
Variant type: single nucleotide variant.
Coding change: c.1230T>A on transcript NM_153026.3 (MANE Select); coding-DNA position 1230, T replaced by A.
Protein change: p.Asp410Glu; replaces aspartic acid 410 with glutamic acid.
Molecular consequence: missense variant.
Genome position (GRCh38, 1-based): chr12:42,464,804, A>T on the plus strand (T>A on the coding strand, the complement: PRICKLE1 is on the minus strand). VCF-style: chr12-42464804-A-T. GRCh37 (hg19) VCF-style: chr12-42858606-A-T.
Other names: c.1230T>A, p.Asp410Glu (NM_001144881.2, NM_001144882.2, NM_001144883.2); short protein forms D410E.
Identifiers: ClinVar variation 2140507 (VCV002140507.1), dbSNP rs2140101257, ClinGen allele CA384442173.
Genomic context (GRCh38, chr12:42,464,804, plus strand): 5'-TGGCTGAAAGAGGCTTTTATCACCAAACTTGAGGAGGAGCTGCGTCATATAATCTTCATG[A>T]TCAGCCCATTCTTCAGGGTCTTCTGGAGTTTCCTGCTCTACTCTGCCTTTCCAAAATTCT-3'
Protein context (NP_694571.2, residues 400-420): ETPEDPEEWA[Asp410Glu]HEDYMTQLLL

ClinVar aggregate classification (germline): Uncertain significance (1 of 4 stars; one submission).

Conditions:
Epilepsy, progressive myoclonic, 1B. Also called: PME. Identifiers: Orphanet 308, MedGen C2676254, MONDO:0012904, OMIM 612437.

Submission:

Labcorp Genetics (formerly Invitae), Labcorp
Classification: Uncertain significance for Epilepsy, progressive myoclonic, 1B. Last evaluated: 2021-12-13. Review status: criteria provided, single submitter. Criteria: Invitae Variant Classification Sherloc (09022015). Collection method: clinical testing. Allele origin: germline.
Comment: This sequence change replaces aspartic acid, which is acidic and polar, with glutamic acid, which is acidic and polar, at codon 410 of the PRICKLE1 protein (p.Asp410Glu). This variant is not present in population databases (gnomAD no frequency). This variant has not been reported in the literature in individuals affected with PRICKLE1-related conditions. Algorithms developed to predict the effect of missense changes on protein structure and function output the following: SIFT: "Tolerated"; PolyPhen-2: "Benign"; Align-GVGD: "Class C0". The glutamic acid amino acid residue is found in multiple mammalian species, which suggests that this missense change does not adversely affect protein function. In summary, the available evidence is currently insufficient to determine the role of this variant in disease. Therefore, it has been classified as a Variant of Uncertain Significance.